The following is an entry in ClinVar:

NM_006019.4(TCIRG1):c.2405G>A (p.Arg802Gln)

Gene: TCIRG1 (T cell immune regulator 1, ATPase H+ transporting V0 subunit a3; plus strand). Cytogenetic location: 11q13.2.
Variant type: single nucleotide variant.
Coding change: c.2405G>A on transcript NM_006019.4 (MANE Select); coding-DNA position 2405, G replaced by A.
Protein change: p.Arg802Gln; replaces arginine 802 with glutamine.
Molecular consequence: missense variant.
Genome position (GRCh38, 1-based): chr11:68,050,655, G>A. VCF-style: chr11-68050655-G-A. GRCh37 (hg19) VCF-style: chr11-67818122-G-A.
Other names: c.1511G>A, p.Arg504Gln (NM_001351059.2); c.1757G>A, p.Arg586Gln (NM_006053.4); c.2405G>A (NM_006019.3); short protein forms R504Q, R586Q, R802Q.
Identifiers: ClinVar variation 2672472 (VCV002672472.25), dbSNP rs757671003, ClinGen allele CA6147521.

ClinVar aggregate classification (germline): Uncertain significance. Review status: criteria provided, multiple submitters, no conflicts (2 of 4 stars). 3 submissions from 3 submitters: Uncertain significance (2). 1 of the submissions does not count toward it. Last evaluated 2025-12-17.

Conditions:
Decreased total neutrophil count. Also called: Neutropenia. Identifiers: MedGen C0853697, MONDO:0001475, HP:0001875.
TCIRG1-related disorder. Also called: TCIRG1-related condition.

Allele frequency attached by ClinVar (database versions not stated): gnomAD exomes below 0.00001; ExAC 0.00001.
gnomAD v4.1: 1 of 1,613,398 alleles (0.000062%); no homozygotes.

Submissions (3):

PreventionGenetics, part of Exact Sciences
Classification: Uncertain significance for TCIRG1-related condition. Last evaluated: 2025-12-17. Review status: criteria provided, single submitter. Criteria: ACMG Guidelines, 2015. Collection method: clinical testing. Allele origin: germline.
Comment: The TCIRG1 c.2405G>A variant is predicted to result in the amino acid substitution p.Arg802Gln. To our knowledge, this variant has not been reported in the literature. This variant is reported in 0.0047% of alleles in individuals of European (Finnish) descent in gnomAD. At this time, the clinical significance of this variant is uncertain due to the absence of conclusive functional and genetic evidence.

CeGaT Center for Human Genetics Tuebingen
Classification: Uncertain significance. Last evaluated: 2024-05-01. Review status: criteria provided, single submitter. Criteria: CeGaT Center For Human Genetics Tuebingen Variant Classification Criteria Version 2. Collection method: clinical testing. Allele origin: germline. Affected: yes. Observed: 2 variant alleles.
Comment: TCIRG1: PM2, PP3

Laboratory of Immunopathology and Genetics, Medical Laboratory of Pediatric Oncology and Hematology, Central Clinical Hospital of the Medical University of Lodz
Classification: Likely pathogenic for Neutropenia. Last evaluated: 2024-12-01. Review status: no assertion criteria provided. Collection method: clinical testing. Allele origin: germline. Affected: yes. Observed: 2 variant alleles. Not counted in ClinVar's aggregate classification.